The following is an entry in ClinVar:

ClinVar aggregate classification (germline): Likely pathogenic (1 of 4 stars; one submission).

Submission:

Labcorp Genetics (formerly Invitae), Labcorp
Classification: Likely pathogenic. Last evaluated: 2024-06-26. Review status: criteria provided, single submitter. Criteria: Invitae Variant Classification Sherloc (09022015). Collection method: clinical testing. Allele origin: germline.
Comment: This sequence change affects a donor splice site in intron 2 of the GHR gene. It is expected to disrupt RNA splicing. Variants that disrupt the donor or acceptor splice site typically lead to a loss of protein function (PMID: 16199547), and loss-of-function variants in GHR are known to be pathogenic (PMID: 1999489, 8488849). This variant is not present in population databases (gnomAD no frequency). This variant has not been reported in the literature in individuals affected with GHR-related conditions. Algorithms developed to predict the effect of sequence changes on RNA splicing suggest that this variant may disrupt the consensus splice site. In summary, the currently available evidence indicates that the variant is pathogenic, but additional data are needed to prove that conclusively. Therefore, this variant has been classified as Likely Pathogenic.

Literature cited by the submitters: PubMed 16199547; PubMed 1999489; PubMed 8488849.

NM_000163.5(GHR):c.70+2T>C

Gene: GHR (growth hormone receptor; plus strand). Cytogenetic location: 5p12.
Variant type: single nucleotide variant.
Coding change: c.70+2T>C on transcript NM_000163.5 (MANE Select); the canonical splice donor site of the intron after coding-DNA position 70, T replaced by C.
Molecular consequence: splice donor variant.
Genome position (GRCh38, 1-based): chr5:42,565,946, T>C. VCF-style: chr5-42565946-T-C. GRCh37 (hg19) VCF-style: chr5-42566048-T-C.
Other names: c.70+2T>C (NM_001242460.2, NM_001242400.2, NM_001242401.4 and 6 more transcripts); c.91+2T>C (NM_001242399.2).
Identifiers: ClinVar variation 3657187 (VCV003657187.2).